The following is an entry in ClinVar:

ClinVar aggregate classification (germline): Likely pathogenic (1 of 4 stars; one submission).

Submission:

Labcorp Genetics (formerly Invitae), Labcorp
Classification: Likely pathogenic. Last evaluated: 2023-08-18. Review status: criteria provided, single submitter. Criteria: Invitae Variant Classification Sherloc (09022015). Collection method: clinical testing. Allele origin: germline.
Comment: This sequence change replaces valine, which is neutral and non-polar, with alanine, which is neutral and non-polar, at codon 74 of the HOGA1 protein (p.Val74Ala). This variant is not present in population databases (gnomAD no frequency). This variant has not been reported in the literature in individuals affected with HOGA1-related conditions. Advanced modeling of protein sequence and biophysical properties (such as structural, functional, and spatial information, amino acid conservation, physicochemical variation, residue mobility, and thermodynamic stability) performed at Invitae indicates that this missense variant is expected to disrupt HOGA1 protein function. This variant disrupts the p.Val74 amino acid residue in HOGA1. Other variant(s) that disrupt this residue have been determined to be pathogenic (PMID: 22781098, 28711958). This suggests that this residue is clinically significant, and that variants that disrupt this residue are likely to be disease-causing. In summary, the currently available evidence indicates that the variant is pathogenic, but additional data are needed to prove that conclusively. Therefore, this variant has been classified as Likely Pathogenic.

Literature cited by the submitters: PubMed 22781098; PubMed 28711958.

NM_138413.4(HOGA1):c.221T>C (p.Val74Ala)

Gene: HOGA1 (4-hydroxy-2-oxoglutarate aldolase 1; plus strand). Cytogenetic location: 10q24.2.
Variant type: single nucleotide variant.
Coding change: c.221T>C on transcript NM_138413.4 (MANE Select); coding-DNA position 221, T replaced by C.
Protein change: p.Val74Ala; replaces valine 74 with alanine.
Molecular consequence: missense variant. On other transcripts: intron variant (1).
Genome position (GRCh38, 1-based): chr10:97,598,784, T>C. VCF-style: chr10-97598784-T-C. GRCh37 (hg19) VCF-style: chr10-99358541-T-C.
Other names: c.212-3073T>C (NM_001134670.2); short protein forms V74A.
Identifiers: ClinVar variation 2753716 (VCV002753716.3), dbSNP rs796052084, ClinGen allele CA377976721.